The following is an entry in ClinVar:

ClinVar aggregate classification (germline): Uncertain significance (1 of 4 stars; one submission).

Allele frequency attached by ClinVar (database versions not stated): gnomAD exomes below 0.00001; gnomAD 0.00001; TOPMed 0.00002.
gnomAD v4.1: 3 of 1,255,356 alleles (0.00024%); highest among the groups gnomAD compares: East Asian, 0.014%; no homozygotes.

Submission:

Labcorp Genetics (formerly Invitae), Labcorp
Classification: Uncertain significance. Last evaluated: 2022-07-06. Review status: criteria provided, single submitter. Criteria: Invitae Variant Classification Sherloc (09022015). Collection method: clinical testing. Allele origin: germline.
Comment: In summary, the available evidence is currently insufficient to determine the role of this variant in disease. Therefore, it has been classified as a Variant of Uncertain Significance. Algorithms developed to predict the effect of missense changes on protein structure and function are either unavailable or do not agree on the potential impact of this missense change (SIFT: "Deleterious"; PolyPhen-2: "Benign"; Align-GVGD: "Class C0"). This variant has not been reported in the literature in individuals affected with XYLT2-related conditions. This variant is present in population databases (no rsID available, gnomAD 0.06%). This sequence change replaces valine, which is neutral and non-polar, with glycine, which is neutral and non-polar, at codon 2 of the XYLT2 protein (p.Val2Gly).

NM_022167.4(XYLT2):c.5T>G (p.Val2Gly)

Gene: XYLT2 (xylosyltransferase 2; plus strand). Cytogenetic location: 17q21.33.
Variant type: single nucleotide variant.
Coding change: c.5T>G on transcript NM_022167.4 (MANE Select); coding-DNA position 5, T replaced by G.
Protein change: p.Val2Gly; replaces valine 2 with glycine.
Molecular consequence: missense variant.
Genome position (GRCh38, 1-based): chr17:50,346,145, T>G. VCF-style: chr17-50346145-T-G. GRCh37 (hg19) VCF-style: chr17-48423506-T-G.
Other names: short protein forms V2G.
Identifiers: ClinVar variation 2186766 (VCV002186766.2), dbSNP rs1472707539, ClinGen allele CA400189665.